The following is an entry in ClinVar:

NM_001278116.2(L1CAM):c.286_287del (p.Thr96fs)

Gene: L1CAM (L1 cell adhesion molecule; minus strand). Cytogenetic location: Xq28.
Variant type: Deletion.
Coding change: c.286_287del on transcript NM_001278116.2 (MANE Select); coding-DNA positions 286 to 287, 2 bases deleted (AC; older notation c.286_287delAC).
Protein change: p.Thr96fs; shifts the reading frame from threonine 96.
Molecular consequence: frameshift variant.
Genome position (GRCh38, 1-based): chrX:153,872,265-153,872,266, GT deleted on the plus strand (AC on the coding strand, the reverse complement: L1CAM is on the minus strand); deleting any 2 consecutive bases within chrX:153,872,265-153,872,267 gives the same sequence; the c. name uses the placement nearest the transcript's 3' end. VCF-style (leftmost placement, unchanged base first): chrX-153872264-GGT-G. GRCh37 (hg19) VCF-style: chrX-153137719-GGT-G.
Other names: c.286_287del, p.Thr96fs (NM_000425.5, NM_024003.3); c.271_272del, p.Thr91fs (NM_001143963.2); short protein forms T91fs, T96fs.
Identifiers: ClinVar variation 5016075 (VCV005016075.1).

ClinVar aggregate classification (germline): Pathogenic (1 of 4 stars; one submission).

Conditions:
L1 syndrome. Identifiers: Orphanet 275543, MedGen C5779710, MONDO:0017140.

Submission:

Myriad Genetics, Inc.
Classification: Pathogenic for L1 syndrome. Last evaluated: 2026-06-25. Review status: criteria provided, single submitter. Criteria: Myriad Autosomal Dominant, Autosomal Recessive and X-Linked Classification Criteria (2023). Collection method: clinical testing. Allele origin: unknown.
Comment: NM_001278116.1(L1CAM):c.286_287delAC(T96Hfs*23) is expected to be pathogenic in the context of L1 syndrome. This variant is predicted to lead to an abnormal or absent protein product due to the creation of a premature termination codon in L1CAM, a gene where loss-of-function variants are known to be pathogenic. Please note: this variant was assessed in the context of healthy population screening.